The following is an entry in ClinVar:

ClinVar aggregate classification (germline): Uncertain significance (1 of 4 stars; one submission).

Conditions:
Familial thoracic aortic aneurysm and aortic dissection (TAAD). Also called: Thoracic aortic aneurysms and dissections. Identifiers: Orphanet 91387, MedGen C4707243, MONDO:0019625.

Allele frequency attached by ClinVar (database versions not stated): gnomAD exomes 0.00001.
gnomAD v4.1: 9 of 1,614,170 alleles (0.00056%); highest among the groups gnomAD compares: Non-Finnish European, 0.00068%; no homozygotes.

Submission:

Color Diagnostics, LLC DBA Color Health
Classification: Uncertain significance for Familial thoracic aortic aneurysm and aortic dissection. Last evaluated: 2024-03-06. Review status: criteria provided, single submitter. Criteria: ACMG Guidelines, 2015. Collection method: clinical testing. Allele origin: germline.
Comment: This missense variant replaces tyrosine with histidine at codon 1638 of the FBN1 protein. Computational prediction suggests that this variant may not impact protein structure and function (internally defined REVEL score threshold <= 0.5, PMID: 27666373). To our knowledge, functional studies have not been reported for this variant. This variant has not been reported in individuals affected with cardiovascular disorders in the literature. This variant has not been identified in the general population by the Genome Aggregation Database (gnomAD). The available evidence is insufficient to determine the role of this variant in disease conclusively. Therefore, this variant is classified as a Variant of Uncertain Significance.

NM_000138.5(FBN1):c.4912T>C (p.Tyr1638His)

Gene: FBN1 (fibrillin 1; minus strand). Cytogenetic location: 15q21.1.
Variant type: single nucleotide variant.
Coding change: c.4912T>C on transcript NM_000138.5 (MANE Select); coding-DNA position 4912, T replaced by C.
Protein change: p.Tyr1638His; replaces tyrosine 1638 with histidine.
Molecular consequence: missense variant.
Genome position (GRCh38, 1-based): chr15:48,465,598, A>G on the plus strand (T>C on the coding strand, the complement: FBN1 is on the minus strand). VCF-style: chr15-48465598-A-G. GRCh37 (hg19) VCF-style: chr15-48757795-A-G.
Other names: short protein forms Y1638H.
Identifiers: ClinVar variation 1171754 (VCV001171754.3), dbSNP rs2141269601, ClinGen allele CA392351111.